The following is an entry in ClinVar:

NM_032578.4(MYPN):c.1317+1G>A

Gene: MYPN (myopalladin; plus strand). Cytogenetic location: 10q21.3.
Variant type: single nucleotide variant.
Coding change: c.1317+1G>A on transcript NM_032578.4 (MANE Select); the canonical splice donor site of the intron after coding-DNA position 1317, G replaced by A.
Molecular consequence: splice donor variant.
Genome position (GRCh38, 1-based): chr10:68,150,112, G>A. VCF-style: chr10-68150112-G-A. GRCh37 (hg19) VCF-style: chr10-69909869-G-A.
Other names: c.1317+1G>A (NM_001256267.2, NM_032578.3); c.435+1G>A (NM_001256268.2).
Identifiers: ClinVar variation 1515967 (VCV001515967.9), dbSNP rs766502564, ClinGen allele CA5522509.

ClinVar aggregate classification (germline): Likely pathogenic. Review status: criteria provided, multiple submitters, no conflicts (2 of 4 stars). 2 submissions from 2 submitters: Likely pathogenic (2). Last evaluated 2024-03-01.

Conditions:
Dilated cardiomyopathy 1KK (CMD1KK). Identifiers: Orphanet 154, Orphanet 75249, MedGen C3714995, MONDO:0014100, OMIM 615248.
Congenital myopathy. Identifiers: Orphanet 97245, MedGen C0270960, MONDO:0019952.

Allele frequency attached by ClinVar (database versions not stated): gnomAD exomes below 0.00001; ExAC 0.00001.
gnomAD v4.1: 6 of 1,611,642 alleles (0.00037%); highest among the groups gnomAD compares: East Asian, 0.0022%; no homozygotes.

Submissions (2):

Lildballe Lab, Aarhus University Hospital
Classification: Likely pathogenic for Congenital myopathy. Last evaluated: 2024-03-01. Review status: criteria provided, single submitter. Criteria: ACMG Guidelines, 2015. Collection method: research. Allele origin: germline. Affected: yes.
Comment: PVS1(s) PM2(sup), PP5(noinf)

Labcorp Genetics (formerly Invitae), Labcorp
Classification: Likely pathogenic for Dilated cardiomyopathy 1KK. Last evaluated: 2021-03-02. Review status: criteria provided, single submitter. Criteria: Invitae Variant Classification Sherloc (09022015). Collection method: clinical testing. Allele origin: germline.
Comment: This sequence change affects a donor splice site in intron 6 of the MYPN gene. It is expected to disrupt RNA splicing. Variants that disrupt the donor or acceptor splice site typically lead to a loss of protein function (PMID: 16199547), and loss-of-function variants in MYPN are known to be pathogenic (PMID: 28017374). This variant is present in population databases (rs766502564, ExAC 0.01%). This variant has not been reported in the literature in individuals with MYPN-related conditions. Algorithms developed to predict the effect of sequence changes on RNA splicing suggest that this variant may disrupt the consensus splice site, but this prediction has not been confirmed by published transcriptional studies. In summary, the currently available evidence indicates that the variant is pathogenic, but additional data are needed to prove that conclusively. Therefore, this variant has been classified as Likely Pathogenic.

Literature cited by the submitters: PubMed 25741902 (cited by Lildballe Lab, Aarhus University Hospital); PubMed 39481677 (cited by Lildballe Lab, Aarhus University Hospital); PubMed 16199547 (cited by Labcorp Genetics (formerly Invitae), Labcorp); PubMed 28017374 (cited by Labcorp Genetics (formerly Invitae), Labcorp).